The following is an entry in ClinVar:

ClinVar aggregate classification (germline): Pathogenic (1 of 4 stars; one submission).

Conditions:
Autosomal dominant Alport syndrome (ATS3A). Also called: Alport syndrome dominant type; Renal failure and sensorineural hearing loss; ALPORT SYNDROME 3A, AUTOSOMAL DOMINANT. Identifiers: Orphanet 63, Orphanet 88918, MedGen C5882663, MONDO:0007086, OMIM 104200.

Submission:

Centre de Génétique Humaine, Institut de Pathologie Et de Génétique
Classification: Pathogenic for Autosomal dominant Alport syndrome. Last evaluated: 2026-04-16. Review status: criteria provided, single submitter. Criteria: ACMG Guidelines, 2015. Collection method: clinical testing. Allele origin: germline. Inheritance: Autosomal dominant inheritance. Affected: yes. Observed: 1 variant allele, 1 heterozygote. Segregation with disease not observed.
Comment: This 1pb deletion is a frameshift variant predicted to result in protein truncation or nonsense mediated decay in a gene for which loss-of-function is a known mechanism of disease (PVS1). This variant is rare: absent in in gnomAD v4.1.0 database (PM2).

NM_000092.5(COL4A4):c.4559del (p.Leu1520fs)

Gene: COL4A4 (collagen type IV alpha 4 chain; minus strand). Cytogenetic location: 2q36.3.
Variant type: Deletion.
Coding change: c.4559del on transcript NM_000092.5 (MANE Select); coding-DNA position 4559, one base deleted (T; older notation c.4559delT).
Protein change: p.Leu1520fs; shifts the reading frame from leucine 1520.
Molecular consequence: frameshift variant.
Genome position (GRCh38, 1-based): chr2:227,008,268, A deleted on the plus strand (T on the coding strand, the reverse complement: COL4A4 is on the minus strand). VCF-style (leftmost placement, unchanged base first): chr2-227008267-CA-C. GRCh37 (hg19) VCF-style: chr2-227872983-CA-C.
Other names: p.(Leu1520Argfs*32); short protein forms L1520fs.
Identifiers: ClinVar variation 4884679 (VCV004884679.1).
Genomic context (GRCh38, chr2:227,008,267, plus strand): 5'-GGATCTGTCGTTTCTCTGGGCATAGTGGCACACCTGGTGGATGTTGCAGTAGGCAAAGGG[CA>C]GCGTGCTAAATACGGGAAGGCAAGACCCTGCCAGACCTTGGGAAGGGAAGAAGAGACAGC-3'